The following is an entry in ClinVar:

NM_002890.3(RASA1):c.304G>T (p.Val102Leu)

Gene: RASA1 (RAS p21 protein activator 1; plus strand). Cytogenetic location: 5q14.3.
Variant type: single nucleotide variant.
Coding change: c.304G>T on transcript NM_002890.3 (MANE Select); coding-DNA position 304, G replaced by T.
Protein change: p.Val102Leu; replaces valine 102 with leucine.
Molecular consequence: missense variant.
Genome position (GRCh38, 1-based): chr5:87,268,755, G>T. VCF-style: chr5-87268755-G-T. GRCh37 (hg19) VCF-style: chr5-86564572-G-T.
Other names: p.Val102Leu; short protein forms V102L.
Identifiers: ClinVar variation 239415 (VCV000239415.21), dbSNP rs115606026, ClinGen allele CA3335391.
Genomic context (GRCh38, chr5:87,268,755, plus strand): 5'-GGGGGAGCTGGACTGACAGGGGGAGGTACTGCTGCTGGCGTAGCTGGTGCTGCTGCTGGC[G>T]TGGCCGGTGCTGCTGTTGCTGGACCTAGTGGAGACATGGCTCTCACCAAACTGCCCACTT-3'
Protein context (NP_002881.1, residues 92-112): AAGVAGAAAG[Val102Leu]AGAAVAGPSG

ClinVar aggregate classification (germline): Benign/Likely benign. Review status: criteria provided, multiple submitters, no conflicts (2 of 4 stars). 8 submissions from 8 submitters: Benign (3); Likely benign (5). Last evaluated 2026-02-03.

Conditions:
Capillary malformation-arteriovenous malformation syndrome. Also called: Capillary malformation-arteriovenous malformation. Identifiers: Orphanet 137667, MedGen C1842180, MONDO:0012016.
Cardiovascular phenotype. Identifiers: MedGen CN230736.
Capillary malformation-arteriovenous malformation 1 (CMAVM1). Identifiers: Orphanet 137667, Orphanet 693907, MedGen C4747394, MONDO:0020783, OMIM 608354.

Allele frequency attached by ClinVar (database versions not stated): ExAC 0.00080; 1000 Genomes Project 0.00280; gnomAD 0.00297 and 0.00315; ESP Exome Variant Server 0.00300; 1000 Genomes Project 30x 0.00312; TOPMed 0.00351.
gnomAD v4.1: 826 of 1,613,668 alleles (0.051%); highest among the groups gnomAD compares: African/African-American, 0.95%; 2 homozygotes.

Submissions (8):

Labcorp Genetics (formerly Invitae), Labcorp
Classification: Benign for Capillary malformation-arteriovenous malformation syndrome. Last evaluated: 2026-02-03. Review status: criteria provided, single submitter. Criteria: Invitae Variant Classification Sherloc (09022015). Collection method: clinical testing. Allele origin: germline.

Mayo Clinic Laboratories, Mayo Clinic
Classification: Likely benign. Last evaluated: 2025-10-03. Review status: criteria provided, single submitter. Criteria: ACMG Guidelines, 2015. Collection method: clinical testing. Allele origin: germline. Observed: 2 variant alleles.
Comment: BS1, BP4_moderate

ARUP Laboratories, Molecular Genetics and Genomics, ARUP Laboratories
Classification: Likely benign. Last evaluated: 2025-04-09. Review status: criteria provided, single submitter. Criteria: ARUP Molecular Germline Variant Investigation Process 2024. Collection method: clinical testing. Allele origin: germline.

Blueprint Genetics
Classification: Likely benign. Last evaluated: 2024-08-06. Review status: criteria provided, single submitter. Criteria: ACMG Guidelines, 2015. Collection method: clinical testing. Allele origin: germline.

GeneDx
Classification: Benign. Last evaluated: 2021-02-19. Review status: criteria provided, single submitter. Criteria: GeneDx Variant Classification Process June 2021. Collection method: clinical testing. Allele origin: germline. Affected: yes.

Johns Hopkins Genomics, Johns Hopkins University
Classification: Likely benign for Capillary malformation-arteriovenous malformation 1. Last evaluated: 2020-12-07. Review status: criteria provided, single submitter. Criteria: ACMG Guidelines, 2015. Collection method: clinical testing. Allele origin: germline.

Ambry Genetics
Classification: Benign for Cardiovascular phenotype. Last evaluated: 2019-03-17. Review status: criteria provided, single submitter. Criteria: Ambry Variant Classification Scheme 2023. Collection method: clinical testing. Allele origin: germline.

Breakthrough Genomics
Classification: Likely benign. Review status: criteria provided, single submitter. Criteria: ACMG Guidelines, 2015. Collection method: not provided. Allele origin: germline. Inheritance: Autosomal dominant inheritance. Affected: yes.